The following is an entry in ClinVar:

ClinVar aggregate classification (germline): Pathogenic/Likely pathogenic. Review status: criteria provided, multiple submitters, no conflicts (2 of 4 stars). 8 submissions from 8 submitters: Pathogenic (5); Likely pathogenic (3). Last evaluated 2025-12-06.

Conditions:
Hereditary cancer-predisposing syndrome. Also called: Tumor predisposition; Hereditary Cancer Syndrome; Hereditary neoplastic syndrome; Neoplastic Syndromes, Hereditary. Identifiers: Orphanet 140162, MedGen C0027672, MeSH D009386, MONDO:0015356.
Familial cancer of breast. Also called: BREAST CANCER, FAMILIAL; Hereditary breast cancer; hereditary breast carcinoma. Identifiers: Orphanet 227535, MedGen C0346153, MONDO:0016419, OMIM 114480. Disease mechanism: loss of function.

Allele frequency attached by ClinVar (database versions not stated): gnomAD exomes 0.00001.
gnomAD v4.1: 9 of 1,612,696 alleles (0.00056%); highest among the groups gnomAD compares: Non-Finnish European, 0.00076%; no homozygotes.

Submissions (8):

Labcorp Genetics (formerly Invitae), Labcorp
Classification: Likely pathogenic for Familial cancer of breast. Last evaluated: 2025-12-06. Review status: criteria provided, single submitter. Criteria: Invitae Variant Classification Sherloc (09022015). Collection method: clinical testing. Allele origin: germline.
Comment: This sequence change creates a premature translational stop signal (p.Gln666*) in the BARD1 gene. While this is not anticipated to result in nonsense mediated decay, it is expected to disrupt the last 112 amino acid(s) of the BARD1 protein. This variant is not present in population databases (gnomAD no frequency). This premature translational stop signal has been observed in individual(s) with clinical features of BARD1-related conditions (PMID: 25186627, 26315354, 26681312). ClinVar contains an entry for this variant (Variation ID: 182051). This variant disrupts the C-terminal BRCT domain of BARD1 protein, which is required for chromosome stability and homology-directed repair (PMID: 17848578). A different variant (p.Val767fs) that lies downstream of this variant has been reported to affect BARD1 protein function (PMID: 30925164), this suggests that disruption of this region of the protein is causative of disease. In summary, the currently available evidence indicates that the variant is pathogenic, but additional data are needed to prove that conclusively. Therefore, this variant has been classified as Likely Pathogenic.

Ambry Genetics
Classification: Pathogenic for Hereditary cancer-predisposing syndrome. Last evaluated: 2025-05-20. Review status: criteria provided, single submitter. Criteria: Ambry Variant Classification Scheme 2023. Collection method: clinical testing. Allele origin: germline.
Comment: The p.Q666* pathogenic mutation (also known as c.1996C>T), located in coding exon 10 of the BARD1 gene, results from a C to T substitution at nucleotide position 1996. This changes the amino acid from a glutamine to a stop codon within coding exon 10. This variant was previously identified in a patient with breast cancer (Susswein LR et al. Genet. Med. 2016 Aug;18(8):823-32). This alteration occurs at the 3' terminus of theBARD1 gene, is not expected to trigger nonsense-mediated mRNA decay, and impacts the last 112 amino acids of the protein. However, premature stop codons are typically deleterious in nature and the impacted region is critical for protein function (Ambry internal data). Based on the available evidence, this alteration is interpreted as a disease-causing mutation.

GeneDx
Classification: Likely pathogenic. Last evaluated: 2025-03-14. Review status: criteria provided, single submitter. Criteria: GeneDx Variant Classification Process June 2021. Collection method: clinical testing. Allele origin: germline. Affected: yes.
Comment: Nonsense variant predicted to result in protein truncation, as the last 112 amino acids are lost, and other loss-of-function variants have been reported downstream in HGMD; Not observed at significant frequency in large population cohorts (gnomAD); Observed in individuals with a personal and family history of breast and other cancers (PMID: 34326862, 26681312, 25186627, 30130155); This variant is associated with the following publications: (PMID: 28281021, 26315354, 26681312, 25186627, 30733081, 34404389, 17550235, 30925164, 17848578, 15040442, 29292755, 33610559, 30130155, 34326862)

Myriad Genetics, Inc.
Classification: Pathogenic for Familial cancer of breast. Last evaluated: 2023-05-25. Review status: criteria provided, single submitter. Criteria: Myriad Autosomal Dominant, Autosomal Recessive and X-Linked Classification Criteria (2023). Collection method: clinical testing. Allele origin: unknown.
Comment: This variant is considered pathogenic. This variant creates a termination codon and is predicted to result in premature protein truncation.

Color Diagnostics, LLC DBA Color Health
Classification: Pathogenic for Hereditary cancer-predisposing syndrome. Last evaluated: 2023-01-09. Review status: criteria provided, single submitter. Criteria: ACMG Guidelines, 2015. Collection method: clinical testing. Allele origin: germline.
Comment: This variant changes 1 nucleotide in exon 10 of the BARD1 gene, creating a premature translation stop signal at codon 666. The mutant transcript is expected to escape nonsense-mediated decay and be expressed as truncated protein lacking the functional BRCT2 domain (a.a. 667-777) that is critical for BARD1 protein function (PMID: 17848578, 30925164). This variant has not been identified in the general population by the Genome Aggregation Database (gnomAD). Loss of BARD1 function is a known mechanism of disease. Based on the available evidence, this variant is classified as Pathogenic.

Baylor Genetics
Classification: Pathogenic for Familial cancer of breast. Last evaluated: 2023-01-05. Review status: criteria provided, single submitter. Criteria: ACMG Guidelines, 2015. Collection method: clinical testing. Allele origin: unknown.

Revvity Omics, Revvity
Classification: Likely pathogenic. Last evaluated: 2021-01-07. Review status: criteria provided, single submitter. Criteria: ACMG Guidelines, 2015. Collection method: clinical testing. Allele origin: germline.

Fulgent Genetics
Classification: Pathogenic for Familial cancer of breast. Last evaluated: 2018-10-31. Review status: criteria provided, single submitter. Criteria: ACMG Guidelines, 2015. Collection method: clinical testing. Allele origin: unknown.

Literature cited by the submitters: PubMed 25186627 (cited by Labcorp Genetics (formerly Invitae), Labcorp and Color Diagnostics, LLC DBA Color Health); PubMed 26315354 (cited by Labcorp Genetics (formerly Invitae), Labcorp); PubMed 26681312 (cited by 3 submitters); PubMed 17848578 (cited by Labcorp Genetics (formerly Invitae), Labcorp and Color Diagnostics, LLC DBA Color Health); PubMed 30925164 (cited by Labcorp Genetics (formerly Invitae), Labcorp and Color Diagnostics, LLC DBA Color Health); PubMed 15040442 (cited by Ambry Genetics); PubMed 17550235 (cited by Ambry Genetics); PubMed 28281021 (cited by Ambry Genetics); PubMed 29292755 (cited by Ambry Genetics).

NM_000465.4(BARD1):c.1996C>T (p.Gln666Ter)

Gene: BARD1 (BRCA1 associated RING domain 1; minus strand). Cytogenetic location: 2q35.
Variant type: single nucleotide variant.
Coding change: c.1996C>T on transcript NM_000465.4 (MANE Select); coding-DNA position 1996, C replaced by T.
Protein change: p.Gln666Ter; replaces glutamine 666 with a stop codon.
Molecular consequence: nonsense. On other transcripts: non-coding transcript variant (3).
Genome position (GRCh38, 1-based): chr2:214,730,416, G>A on the plus strand (C>T on the coding strand, the complement: BARD1 is on the minus strand). VCF-style: chr2-214730416-G-A. GRCh37 (hg19) VCF-style: chr2-215595140-G-A.
Other names: p.Q666*:CAG>TAG; c.1939C>T, p.Gln647Ter (NM_001282543.2); c.643C>T, p.Gln215Ter (NM_001282545.2); c.586C>T, p.Gln196Ter (NM_001282548.2); c.457C>T, p.Gln153Ter (NM_001282549.2); short protein forms Q666*, Q153*, Q196*, Q215*, Q647*.
Identifiers: ClinVar variation 182051 (VCV000182051.33), dbSNP rs730881422, ClinGen allele CA298474.